The following is an entry in ClinVar:

NM_017950.4(CCDC40):c.2183_2184del (p.Gly728fs)

Gene: CCDC40 (coiled-coil domain 40 molecular ruler complex subunit; plus strand). Cytogenetic location: 17q25.3.
Variant type: Deletion.
Coding change: c.2183_2184del on transcript NM_017950.4 (MANE Select); coding-DNA positions 2183 to 2184, 2 bases deleted (GG; older notation c.2183_2184delGG).
Protein change: p.Gly728fs; shifts the reading frame from glycine 728.
Molecular consequence: frameshift variant.
Genome position (GRCh38, 1-based): chr17:80,084,936-80,084,937, GG deleted; deleting any 2 consecutive bases within chr17:80,084,935-80,084,937 gives the same sequence; the c. name uses the placement nearest the transcript's 3' end. VCF-style (leftmost placement, unchanged base first): chr17-80084934-AGG-A. GRCh37 (hg19) VCF-style: chr17-78058733-AGG-A.
Other names: c.2183_2184del, p.Gly728fs (NM_001243342.2); short protein forms G728fs.
Identifiers: ClinVar variation 454883 (VCV000454883.5), dbSNP rs751191119, ClinGen allele CA8814126.
Genomic context (GRCh38, chr17:80,084,934, plus strand): 5'-GCTCATCACCAACAGCCAGAGCGAGATCTCCCGGCGCACGATCCTGATCGAGAGGAAGCA[AGG>A]GCTCATCAACTTCCTCAACAAGCAGCTGGAGCGGATGGTCTCCGAGCTGGGGGTGAGGTC-3'

ClinVar aggregate classification (germline): Pathogenic/Likely pathogenic. Review status: criteria provided, multiple submitters, no conflicts (2 of 4 stars). 3 submissions from 3 submitters: Pathogenic (2); Likely pathogenic (1). Last evaluated 2026-03-26.

Conditions:
Primary ciliary dyskinesia. Also called: Ciliary dyskinesia. Identifiers: Orphanet 244, MedGen C0008780, MONDO:0016575, HP:0012265.

Submissions (3):

Clinical Genetics Laboratory, Skane University Hospital Lund
Classification: Likely pathogenic for Primary ciliary dyskinesia. Last evaluated: 2026-03-26. Review status: criteria provided, single submitter. Criteria: ACMG Guidelines, 2015. Collection method: clinical testing. Allele origin: germline. Affected: yes.
Comment: ACMG criteria used: PVS1, PM2

Cambridge Genomics Laboratory, East Genomic Laboratory Hub, NHS Genomic Medicine Service
Classification: Pathogenic for Primary ciliary dyskinesia. Last evaluated: 2019-09-16. Review status: criteria provided, single submitter. Criteria: ACGS Best Practice Guidelines for Variant Classification in Rare Disease 2020. Collection method: clinical testing. Allele origin: germline. Affected: yes. Observed: 1 variant allele.

Labcorp Genetics (formerly Invitae), Labcorp
Classification: Pathogenic for Primary ciliary dyskinesia. Last evaluated: 2017-12-24. Review status: criteria provided, single submitter. Criteria: Invitae Variant Classification Sherloc (09022015). Collection method: clinical testing. Allele origin: germline.
Comment: This sequence change creates a premature translational stop signal (p.Gly728Alafs*27) in the CCDC40 gene. It is expected to result in an absent or disrupted protein product. This variant is present in population databases (rs751191119, ExAC 0.02%). This variant has not been reported in the literature in individuals with CCDC40-related disease. Loss-of-function variants in CCDC40 are known to be pathogenic (PMID: 21131974, 22693285, 23255504). For these reasons, this variant has been classified as Pathogenic.

Literature cited by the submitters: PubMed 21131974 (cited by Labcorp Genetics (formerly Invitae), Labcorp); PubMed 22693285 (cited by Labcorp Genetics (formerly Invitae), Labcorp); PubMed 23255504 (cited by Labcorp Genetics (formerly Invitae), Labcorp).